The following is an entry in ClinVar:

ClinVar aggregate classification (germline): Uncertain significance (1 of 4 stars; one submission).

Conditions:
Lysinuric protein intolerance (LPI). Identifiers: Orphanet 470, MedGen C0268647, MONDO:0009109, OMIM 222700.

Submission:

Labcorp Genetics (formerly Invitae), Labcorp
Classification: Uncertain significance for Lysinuric protein intolerance. Last evaluated: 2021-08-24. Review status: criteria provided, single submitter. Criteria: Invitae Variant Classification Sherloc (09022015). Collection method: clinical testing. Allele origin: germline.
Comment: This sequence change replaces glycine with arginine at codon 113 of the SLC7A7 protein (p.Gly113Arg). The glycine residue is moderately conserved and there is a moderate physicochemical difference between glycine and arginine. This variant is not present in population databases (ExAC no frequency). This variant has not been reported in the literature in individuals affected with SLC7A7-related conditions. Algorithms developed to predict the effect of missense changes on protein structure and function are either unavailable or do not agree on the potential impact of this missense change (SIFT: "Tolerated"; PolyPhen-2: "Possibly Damaging"; Align-GVGD: "Class C0"). In summary, the available evidence is currently insufficient to determine the role of this variant in disease. Therefore, it has been classified as a Variant of Uncertain Significance.

NM_003982.4(SLC7A7):c.337G>A (p.Gly113Arg)

Gene: SLC7A7 (solute carrier family 7 member 7; minus strand). Cytogenetic location: 14q11.2.
Variant type: single nucleotide variant.
Coding change: c.337G>A on transcript NM_003982.4 (MANE Select); coding-DNA position 337, G replaced by A.
Protein change: p.Gly113Arg; replaces glycine 113 with arginine.
Molecular consequence: missense variant.
Genome position (GRCh38, 1-based): chr14:22,813,062, C>T on the plus strand (G>A on the coding strand, the complement: SLC7A7 is on the minus strand). VCF-style: chr14-22813062-C-T. GRCh37 (hg19) VCF-style: chr14-23282271-C-T.
Other names: c.337G>A, p.Gly113Arg (NM_001126105.3, NM_001126106.4); short protein forms G113R.
Identifiers: ClinVar variation 938587 (VCV000938587.6), dbSNP rs2039343325, ClinGen allele CA388922240.